The following is an entry in ClinVar:

ClinVar aggregate classification (germline): Uncertain significance (1 of 4 stars; one submission).

Submission:

Illumina Laboratory Services, Illumina
Classification: Uncertain significance. Last evaluated: 2021-12-13. Review status: criteria provided, single submitter. Criteria: ICSL CNVClassificationCriteria Aug2020. Collection method: clinical testing. Allele origin: unknown.
Comment: This CNV is a 107 kb duplication of 12q13.12, on chromosome 12, (seq[GRCh37]dup(12)(q13.12);chr12:g.50331947_50439383dup), which is inherited. This CNV constitutes a duplication encompassing four protein-coding genes: AQP2, AQP5, AQP6 and RACGAP1. Two of these genes, AQP2 and AQP5, have been associated with human disorders. Variants in the AQP2 gene have been reported to cause nephrogenic diabetes insipidus-2 (NDI2) that can be inherited in an autosomal dominant or autosomal recessive manner (Kuwahara et al. 2001; Lin et al. 2002). NDI2 typically presents in the first weeks of life with hypernatremia, severe dehydration, and low urine osmolarity. Additional features include failure to thrive, feeding difficulties, and unexplained fever. To our knowledge, full AQP2 duplications have not been associated with clinical features of NDI2. Variants in the AQP5 gene are associated with palmoplantar keratoderma of Bothnian type, which is characterized by congenital or childhood onset of diffuse, even thickening of the outer layer of the skin (i.e. hyperkeratosis) on the palms and soles which may extend to the digits and can have a yellowish coloration as well as erythematous borders. Additional reported features include nail abnormalities, hyperhidrosis, and fungal infections. Translucent papules that coalesce into discrete plaques at the base of the thumbs on the palmar side have also been reported. Some individuals may have barely detectable features but show a white spongy appearance when the affected areas are exposed to water (Blaydon et al. 2013; Cao et al. 2014; Pan et al. 2019; Harjama et al. 2021). All variants in AQP5 reported in association with palmoplantar keratoderma to date are missense changes that appear to have gain of function effect. The breakpoints of the (seq[GRCh37]dup(12)(q13.12);chr12:g.50331947_50439383dup) lie within intergenic regions. Patients with similar duplications in this region have not been reported in the peer-reviewed literature. Similar duplications have not been observed in the Genome Aggregation Database (gnomAD SVs version 2.1), although the Database of Genomic Variants (DGV) has two larger duplications that partially overlap this duplication and include both AQP2 and AQP5 (MacDonald et al. 2013). Based on the available evidence, this CNV is classified as a variant of uncertain significance.

Literature cited by the submitters: PubMed 11536078; PubMed 12050236; PubMed 23830519; PubMed 23867895; PubMed 24174537; PubMed 30221495; PubMed 33914963.

GRCh37/hg19 12q13.12(chr12:50331947-50439383)x3

Genes: AQP2 (aquaporin 2; plus strand), AQP5 (aquaporin 5; plus strand), AQP6 (aquaporin 6; plus strand), RACGAP1 (Rac GTPase activating protein 1; minus strand). Cytogenetic location: 12q13.12.
Variant type: copy number gain.
Change: copy number 3 (three copies instead of two) of chr12:50,331,947-50,439,383 (107.4 kb, GRCh37 coordinates, 1-based), cytogenetic band 12q13.12.
Identifiers: ClinVar variation 1710517 (VCV001710517.3).